The following is an entry in ClinVar:

NM_005591.4(MRE11):c.564G>C (p.Arg188Ser)

Gene: MRE11 (MRE11 double strand break repair nuclease; minus strand). Cytogenetic location: 11q21.
Variant type: single nucleotide variant.
Coding change: c.564G>C on transcript NM_005591.4 (MANE Select); coding-DNA position 564, G replaced by C.
Protein change: p.Arg188Ser; replaces arginine 188 with serine.
Molecular consequence: missense variant.
Genome position (GRCh38, 1-based): chr11:94,476,384, C>G on the plus strand (G>C on the coding strand, the complement: MRE11 is on the minus strand). VCF-style: chr11-94476384-C-G. GRCh37 (hg19) VCF-style: chr11-94209550-C-G.
Other names: c.564G>C, p.Arg188Ser (NM_001330347.2, NM_005590.4); short protein forms R188S.
Identifiers: ClinVar variation 234102 (VCV000234102.7), dbSNP rs200213865, ClinGen allele CA10579406.
Genomic context (GRCh38, chr11:94,476,384, plus strand): 5'-GTTCTCATCTTCCTTTGGTCTCAACATTGTTACTTTTTTATTGACAAACATTCGATAGAG[C>G]CTTTCATCTGGAATGGATCCTGAAATGGACATTACATTATTTTTAAATTGTTTTCTTACT-3'
Protein context (NP_005582.1, residues 178-198): LYGLGSIPDE[Arg188Ser]LYRMFVNKKV

ClinVar aggregate classification (germline): Uncertain significance. Review status: criteria provided, multiple submitters, no conflicts (2 of 4 stars). 2 submissions from 2 submitters: Uncertain significance (2). Last evaluated 2024-06-19.

Conditions:
Hereditary cancer-predisposing syndrome. Also called: Neoplastic Syndromes, Hereditary; Tumor predisposition; Hereditary Cancer Syndrome; Hereditary neoplastic syndrome. Identifiers: Orphanet 140162, MedGen C0027672, MeSH D009386, MONDO:0015356.
Ataxia-telangiectasia-like disorder (ATLD). Identifiers: MedGen C1858391, MONDO:0011457.

gnomAD v4.1: 7 of 1,609,898 alleles (0.00043%); highest among the groups gnomAD compares: South Asian, 0.0033%; no homozygotes.

Submissions (2):

Labcorp Genetics (formerly Invitae), Labcorp
Classification: Uncertain significance for Ataxia-telangiectasia-like disorder. Last evaluated: 2024-06-19. Review status: criteria provided, single submitter. Criteria: Invitae Variant Classification Sherloc (09022015). Collection method: clinical testing. Allele origin: germline.
Comment: This sequence change replaces arginine, which is basic and polar, with serine, which is neutral and polar, at codon 188 of the MRE11 protein (p.Arg188Ser). This variant is not present in population databases (gnomAD no frequency). This variant has not been reported in the literature in individuals affected with MRE11-related conditions. ClinVar contains an entry for this variant (Variation ID: 234102). An algorithm developed to predict the effect of missense changes on protein structure and function (PolyPhen-2) suggests that this variant is likely to be disruptive. In summary, the available evidence is currently insufficient to determine the role of this variant in disease. Therefore, it has been classified as a Variant of Uncertain Significance.

Ambry Genetics
Classification: Uncertain significance for Hereditary cancer-predisposing syndrome. Last evaluated: 2022-08-29. Review status: criteria provided, single submitter. Criteria: Ambry Variant Classification Scheme 2023. Collection method: clinical testing. Allele origin: germline.
Comment: The p.R188S variant (also known as c.564G>C), located in coding exon 6 of the MRE11A gene, results from a G to C substitution at nucleotide position 564. The arginine at codon 188 is replaced by serine, an amino acid with dissimilar properties. This amino acid position is highly conserved in available vertebrate species. In addition, this alteration is predicted to be deleterious by in silico analysis. Since supporting evidence is limited at this time, the clinical significance of this alteration remains unclear.